The following is an entry in ClinVar:

ClinVar aggregate classification (germline): Benign/Likely benign. Review status: criteria provided, multiple submitters, no conflicts (2 of 4 stars). 9 submissions from 9 submitters: Benign (1); Likely benign (6). 2 of the submissions do not count toward it. Last evaluated 2026-02-03.

Conditions:
Megacystis-microcolon-intestinal hypoperistalsis syndrome 1. Identifiers: MedGen C5542316, MONDO:0100354, OMIM 249210.
Aortic aneurysm, familial thoracic 7 (AAT7). Also called: AORTIC DISSECTION, FAMILIAL, WITH OR WITHOUT AORTIC ANEURYSM. Identifiers: MedGen C3151077, MONDO:0013418, OMIM 613780.

Allele frequency attached by ClinVar (database versions not stated): 1000 Genomes Project 0.00040; ExAC 0.00043; 1000 Genomes Project 30x 0.00047; gnomAD exomes 0.00049 and 0.00092; gnomAD 0.00073 and 0.00078; ESP Exome Variant Server 0.00077; TOPMed 0.00077.
gnomAD v4.1: 1,426 of 1,613,314 alleles (0.088%); highest among the groups gnomAD compares: Non-Finnish European, 0.12%; no homozygotes.

Submissions (9):

Labcorp Genetics (formerly Invitae), Labcorp
Classification: Likely benign for Aortic aneurysm, familial thoracic 7. Last evaluated: 2026-02-03. Review status: criteria provided, single submitter. Criteria: Invitae Variant Classification Sherloc (09022015). Collection method: clinical testing. Allele origin: germline.

ARUP Laboratories, Molecular Genetics and Genomics, ARUP Laboratories
Classification: Likely benign. Last evaluated: 2025-02-18. Review status: criteria provided, single submitter. Criteria: ARUP Molecular Germline Variant Investigation Process 2024. Collection method: clinical testing. Allele origin: germline.

Blueprint Genetics
Classification: Likely benign. Last evaluated: 2024-11-26. Review status: criteria provided, single submitter. Criteria: ACMG Guidelines, 2015. Collection method: clinical testing. Allele origin: germline.

Fulgent Genetics
Classification: Likely benign for Megacystis-microcolon-intestinal hypoperistalsis syndrome 1; Aortic aneurysm, familial thoracic 7. Last evaluated: 2021-12-16. Review status: criteria provided, single submitter. Criteria: ACMG Guidelines, 2015. Collection method: clinical testing. Allele origin: unknown.

Women's Health and Genetics/Laboratory Corporation of America, LabCorp
Classification: Benign. Last evaluated: 2020-09-08. Review status: criteria provided, single submitter. Criteria: LabCorp Variant Classification Summary - May 2015. Collection method: clinical testing. Allele origin: germline.
Comment: Variant summary: MYLK c.373+18C>T alters a non-conserved nucleotide located close to a canonical splice site and therefore could affect mRNA splicing, leading to a significantly altered protein sequence. 4/4 computational tools predict no significant impact on normal splicing. However, these predictions have yet to be confirmed by functional studies. The variant allele was found at a frequency of 0.00049 in 250508 control chromosomes, predominantly at a frequency of 0.001 within the Non-Finnish European subpopulation in the gnomAD database. The observed variant frequency within Non-Finnish European control individuals in the gnomAD database is approximately 20 fold of the estimated maximal expected allele frequency for a pathogenic variant in MYLK causing Thoracic Aortic Aneurysms and Dissections phenotype (5e-05), strongly suggesting that the variant is a benign polymorphism found primarily in populations of Non-Finnish European origin. To our knowledge, no occurrence of c.373+18C>T in individuals affected with Thoracic Aortic Aneurysms and Dissections and no experimental evidence demonstrating its impact on protein function have been reported. One ClinVar submitter (evaluation after 2014) cite the variant as likely benign. Based on the evidence outlined above, the variant was classified as benign.

GeneDx
Classification: Likely benign. Last evaluated: 2017-11-06. Review status: criteria provided, single submitter. Criteria: GeneDx Variant Classification (06012015). Collection method: clinical testing. Allele origin: germline. Affected: yes.
Comment: This variant is considered likely benign or benign based on one or more of the following criteria: it is a conservative change, it occurs at a poorly conserved position in the protein, it is predicted to be benign by multiple in silico algorithms, and/or has population frequency not consistent with disease.

PreventionGenetics, part of Exact Sciences
Classification: Likely benign. Review status: criteria provided, single submitter. Criteria: ACMG Guidelines, 2015. Collection method: clinical testing. Allele origin: germline.

Clinical Genetics DNA and cytogenetics Diagnostics Lab, Erasmus MC, Erasmus Medical Center
Classification: Benign. Review status: no assertion criteria provided. Collection method: clinical testing. Allele origin: germline. Affected: yes. Study: VKGL Data-share Consensus. Not counted in ClinVar's aggregate classification.

Genome Diagnostics Laboratory, Amsterdam University Medical Center
Classification: Benign. Review status: no assertion criteria provided. Collection method: clinical testing. Allele origin: germline. Affected: yes. Study: VKGL Data-share Consensus. Not counted in ClinVar's aggregate classification.

NM_053025.4(MYLK):c.373+18C>T

Gene: MYLK (myosin light chain kinase; minus strand). Cytogenetic location: 3q21.1.
Variant type: single nucleotide variant.
Coding change: c.373+18C>T on transcript NM_053025.4 (MANE Select); 18 bases into the intron after coding-DNA position 373, C replaced by T.
Molecular consequence: intron variant.
Genome position (GRCh38, 1-based): chr3:123,752,313, G>A on the plus strand (C>T on the coding strand, the complement: MYLK is on the minus strand). VCF-style: chr3-123752313-G-A. GRCh37 (hg19) VCF-style: chr3-123471160-G-A.
Other names: c.-155-12312C>T (NM_001321309.2); c.373+18C>T (NM_053028.4, NM_053026.4, NM_053027.4).
Identifiers: ClinVar variation 262280 (VCV000262280.19), dbSNP rs140559450, ClinGen allele CA070511.
Genomic context (GRCh38, chr3:123,752,313, plus strand): 5'-GGGCTAAGGCAGGAGCTGCAGGCCTTGGGGTAACTGAGAGCTCAGCTCCCTCCTGGACTC[G>A]GGCCTCCTGGGACTCACCTTCTACTGTCAACTCCACTGTCACCTGGCGAGCACCACTGCC-3'